The following is an entry in ClinVar:

ClinVar aggregate classification (germline): Likely benign. Review status: criteria provided, multiple submitters, no conflicts (2 of 4 stars). 2 submissions from 2 submitters: Likely benign (2). Last evaluated 2025-05-29.

Conditions:
Tuberous sclerosis 2 (TSC2). Identifiers: Orphanet 805, MedGen C1860707, MONDO:0013199, OMIM 613254.

Allele frequency attached by ClinVar (database versions not stated): gnomAD 0.00001.
gnomAD v4.1: 2 of 1,612,716 alleles (0.00012%); highest among the groups gnomAD compares: African/African-American, 0.0013%; no homozygotes.

Submissions (2):

Myriad Genetics, Inc.
Classification: Likely benign for Tuberous sclerosis 2. Last evaluated: 2025-05-29. Review status: criteria provided, single submitter. Criteria: Myriad Autosomal Dominant, Autosomal Recessive and X-Linked Classification Criteria (2023). Collection method: clinical testing. Allele origin: unknown.
Comment: This variant is considered likely benign. This variant is intronic and is not expected to impact mRNA splicing.

Labcorp Genetics (formerly Invitae), Labcorp
Classification: Likely benign for Tuberous sclerosis 2. Last evaluated: 2024-08-07. Review status: criteria provided, single submitter. Criteria: Invitae Variant Classification Sherloc (09022015). Collection method: clinical testing. Allele origin: germline.

NM_000548.5(TSC2):c.3398-18C>T

Gene: TSC2 (TSC complex subunit 2; plus strand). Cytogenetic location: 16p13.3.
Variant type: single nucleotide variant.
Coding change: c.3398-18C>T on transcript NM_000548.5 (MANE Select); 18 bases into the intron before coding-DNA position 3398, C replaced by T.
Molecular consequence: intron variant.
Genome position (GRCh38, 1-based): chr16:2,080,147, C>T. VCF-style: chr16-2080147-C-T. GRCh37 (hg19) VCF-style: chr16-2130148-C-T.
Other names: c.3398-18C>T (NM_001114382.3); c.3269-18C>T (NM_021055.3, NM_001370405.1, NM_001363528.2); c.3266-18C>T (NM_001370404.1, NM_001077183.3); c.3158-18C>T (NM_001318827.2); c.2666-18C>T (NM_001318831.2); c.3122-18C>T (NM_001318829.2); c.3299-18C>T (NM_001318832.2).
Identifiers: ClinVar variation 1564708 (VCV001564708.9), dbSNP rs772159760, ClinGen allele CA973770561.